The following is an entry in ClinVar:

NM_000212.3(ITGB3):c.615-1G>A

Gene: ITGB3 (integrin subunit beta 3; plus strand). Cytogenetic location: 17q21.32.
Variant type: single nucleotide variant.
Coding change: c.615-1G>A on transcript NM_000212.3 (MANE Select); the canonical splice acceptor site of the intron before coding-DNA position 615, G replaced by A.
Molecular consequence: splice acceptor variant.
Genome position (GRCh38, 1-based): chr17:47,286,259, G>A. VCF-style: chr17-47286259-G-A. GRCh37 (hg19) VCF-style: chr17-45363625-G-A.
Identifiers: ClinVar variation 2444336 (VCV002444336.1), dbSNP rs1373910050, ClinGen allele CA400023351.

ClinVar aggregate classification (germline): Pathogenic (1 of 4 stars; one submission).

Conditions:
Glanzmann thrombasthenia 2. Also called: BLEEDING DISORDER, PLATELET-TYPE, 23. Identifiers: MedGen C5543273, MONDO:0031009, OMIM 619267.

gnomAD v4.1: 1 of 1,614,160 alleles (0.000062%); highest among the groups gnomAD compares: Non-Finnish European, 0.000085%; no homozygotes.

Submission:

3billion
Classification: Pathogenic for Glanzmann thrombasthenia 2. Last evaluated: 2023-02-23. Review status: criteria provided, single submitter. Criteria: ACMG Guidelines, 2015. Collection method: clinical testing. Allele origin: unknown. Affected: yes.
Comment: The variant is not observed in the gnomAD v2.1.1 dataset. This variant was predicted to alter splicing and result in a loss or disruption of normal protein function. Multiple pathogenic loss-of-function variants are reported downstream of the variant. Therefore, this variant is classified as Pathogenic according to the recommendation of ACMG/AMP guideline.